The following is an entry in ClinVar:

NM_020975.6(RET):c.1619G>A (p.Arg540Lys)

Gene: RET (ret proto-oncogene; plus strand). Cytogenetic location: 10q11.21.
Variant type: single nucleotide variant.
Coding change: c.1619G>A on transcript NM_020975.6 (MANE Select); coding-DNA position 1619, G replaced by A.
Protein change: p.Arg540Lys; replaces arginine 540 with lysine.
Molecular consequence: missense variant.
Genome position (GRCh38, 1-based): chr10:43,112,195, G>A. VCF-style: chr10-43112195-G-A. GRCh37 (hg19) VCF-style: chr10-43607643-G-A.
Other names: c.893G>A, p.Arg298Lys (NM_001406775.1, NM_001406776.1, NM_001406777.1 and 1 more transcripts); c.722G>A, p.Arg241Lys (NM_001406779.1, NM_001406781.1, NM_001406782.1 and 3 more transcripts); c.593G>A, p.Arg198Lys (NM_001406783.1, NM_001406786.1); c.629G>A, p.Arg210Lys (NM_001406784.1); c.1619G>A, p.Arg540Lys (NM_000323.2, NM_001406743.1, NM_001406744.1 and 6 more transcripts); c.857G>A, p.Arg286Lys (NM_001355216.2); c.1490G>A, p.Arg497Lys (NM_001406761.1, NM_001406762.1, NM_001406764.1 and 1 more transcripts); c.1331G>A, p.Arg444Lys (NM_001406766.1, NM_001406767.1, NM_001406770.1); and 5 more; short protein forms R286K, R540K, R298K, R408K, R145K, R365K, R198K, R394K.
Identifiers: ClinVar variation 819683 (VCV000819683.6), dbSNP rs1588872239, ClinGen allele CA376550746.
Genomic context (GRCh38, chr10:43,112,195, plus strand): 5'-CAGTCAGCAAGAGACGGCTGGAGTGTGAGGAGTGTGGCGGCCTGGGCTCCCCAACAGGCA[G>A]GTGTGAGTGGAGGCAAGGAGATGGCAAAGGTAAGCCCTGGAAACGCCCAAGGGAGGCCTG-3'
Protein context (NP_066124.1, residues 530-550): ECGGLGSPTG[Arg540Lys]CEWRQGDGKG

ClinVar aggregate classification (germline): Uncertain significance (1 of 4 stars; one submission).

Conditions:
Hereditary cancer-predisposing syndrome. Also called: Neoplastic Syndromes, Hereditary; Tumor predisposition; Hereditary Cancer Syndrome; Hereditary neoplastic syndrome. Identifiers: Orphanet 140162, MedGen C0027672, MeSH D009386, MONDO:0015356.

Submission:

Ambry Genetics
Classification: Uncertain significance for Hereditary cancer-predisposing syndrome. Last evaluated: 2019-04-16. Review status: criteria provided, single submitter. Criteria: Ambry Variant Classification Scheme 2023. Collection method: clinical testing. Allele origin: germline.
Comment: The p.R540K variant (also known as c.1619G>A), located in coding exon 8 of the RET gene, results from a G to A substitution at nucleotide position 1619. The arginine at codon 540 is replaced by lysine, an amino acid with highly similar properties. This amino acid position is well conserved in available vertebrate species. In addition, the in silico prediction for this alteration is inconclusive. Since supporting evidence is limited at this time, the clinical significance of this alteration remains unclear.